The following is an entry in ClinVar:

ClinVar aggregate classification (germline): Likely benign (1 of 4 stars; one submission).

Submission:

GeneDx
Classification: Likely benign. Last evaluated: 2016-07-27. Review status: criteria provided, single submitter. Criteria: GeneDx Variant Classification (06012015). Collection method: clinical testing. Allele origin: germline. Affected: yes.
Comment: This variant is considered likely benign or benign based on one or more of the following criteria: it is a conservative change, it occurs at a poorly conserved position in the protein, it is predicted to be benign by multiple in silico algorithms, and/or has population frequency not consistent with disease.

NM_001352514.2(HLCS):c.2538G>A (p.Gln846=)

Gene: HLCS (holocarboxylase synthetase; minus strand). Cytogenetic location: 21q22.13.
Variant type: single nucleotide variant.
Coding change: c.2538G>A on transcript NM_001352514.2 (MANE Select); coding-DNA position 2538, G replaced by A.
Protein change: p.Gln846=; no amino-acid change (glutamine 846 retained).
Molecular consequence: synonymous variant. On other transcripts: non-coding transcript variant (2).
Genome position (GRCh38, 1-based): chr21:36,754,330, C>T on the plus strand (G>A on the coding strand, the complement: HLCS is on the minus strand). VCF-style: chr21-36754330-C-T. GRCh37 (hg19) VCF-style: chr21-38126631-C-T.
Other names: c.2097G>A, p.Gln699= (NM_000411.8, NM_001242784.3, NM_001242785.2 and 4 more transcripts).
Identifiers: ClinVar variation 387981 (VCV000387981.1), dbSNP rs1057522969, ClinGen allele CA16608498.